The following is an entry in ClinVar:

ClinVar aggregate classification (germline): Benign/Likely benign. Review status: criteria provided, multiple submitters, no conflicts (2 of 4 stars). 7 submissions from 7 submitters: Benign (4); Likely benign (3). Last evaluated 2026-01-27.

Conditions:
Congenital muscular dystrophy due to integrin alpha-7 deficiency. Also called: MYOPATHY, CONGENITAL, DUE TO INTEGRIN ALPHA-7 DEFICIENCY; Congenital muscular dystrophy with integrin alpha-7 deficiency; Muscular dystrophy, congenital, due to ITGA7 deficiency. Identifiers: Orphanet 34520, MedGen C2750786, MONDO:0013177, OMIM 613204.

Allele frequency attached by ClinVar (database versions not stated): ESP Exome Variant Server 0.00707; ExAC 0.00184; gnomAD 0.00576 and 0.00636; 1000 Genomes Project 0.00659; gnomAD exomes 0.00153; TOPMed 0.00654; 1000 Genomes Project 30x 0.00750.
gnomAD v4.1: 1,747 of 1,613,996 alleles (0.11%); highest among the groups gnomAD compares: African/African-American, 2%; 22 homozygotes.

Submissions (7):

Labcorp Genetics (formerly Invitae), Labcorp
Classification: Benign for Congenital muscular dystrophy due to integrin alpha-7 deficiency. Last evaluated: 2026-01-27. Review status: criteria provided, single submitter. Criteria: Invitae Variant Classification Sherloc (09022015). Collection method: clinical testing. Allele origin: germline.

Fulgent Genetics
Classification: Likely benign for Congenital muscular dystrophy due to integrin alpha-7 deficiency. Last evaluated: 2021-10-25. Review status: criteria provided, single submitter. Criteria: ACMG Guidelines, 2015. Collection method: clinical testing. Allele origin: unknown.

Mayo Clinic Laboratories, Mayo Clinic
Classification: Benign. Last evaluated: 2018-10-12. Review status: criteria provided, single submitter. Criteria: ACMG Guidelines, 2015. Collection method: clinical testing. Allele origin: germline. Observed: 5 variant alleles.

GeneDx
Classification: Benign. Last evaluated: 2017-06-13. Review status: criteria provided, single submitter. Criteria: GeneDx Variant Classification (06012015). Collection method: clinical testing. Allele origin: germline. Affected: yes.
Comment: This variant is considered likely benign or benign based on one or more of the following criteria: it is a conservative change, it occurs at a poorly conserved position in the protein, it is predicted to be benign by multiple in silico algorithms, and/or has population frequency not consistent with disease.

Center for Pediatric Genomic Medicine, Children's Mercy Hospital and Clinics
Classification: Likely benign. Last evaluated: 2017-04-24. Review status: criteria provided, single submitter. Criteria: ACMG Guidelines, 2015. Collection method: clinical testing. Allele origin: germline.

Breakthrough Genomics
Classification: Likely benign. Review status: criteria provided, single submitter. Criteria: ACMG Guidelines, 2015. Collection method: not provided. Allele origin: germline. Inheritance: Autosomal recessive inheritance. Affected: yes.

PreventionGenetics, part of Exact Sciences
Classification: Benign. Review status: criteria provided, single submitter. Criteria: ACMG Guidelines, 2015. Collection method: clinical testing. Allele origin: germline.

NM_002206.3(ITGA7):c.1609C>T (p.Arg537Trp)

Gene: ITGA7 (integrin subunit alpha 7; minus strand). Cytogenetic location: 12q13.2.
Variant type: single nucleotide variant.
Coding change: c.1609C>T on transcript NM_002206.3 (MANE Select); coding-DNA position 1609, C replaced by T.
Protein change: p.Arg537Trp; replaces arginine 537 with tryptophan.
Molecular consequence: missense variant.
Genome position (GRCh38, 1-based): chr12:55,697,027, G>A on the plus strand (C>T on the coding strand, the complement: ITGA7 is on the minus strand). VCF-style: chr12-55697027-G-A. GRCh37 (hg19) VCF-style: chr12-56090811-G-A.
Other names: p.Arg537Trp; c.1621C>T, p.Arg541Trp (NM_001144996.2); c.1330C>T, p.Arg444Trp (NM_001144997.2); c.1282C>T, p.Arg428Trp (NM_001367993.1); c.265C>T, p.Arg89Trp (NM_001367994.1); c.1591C>T, p.Arg531Trp (NM_001374465.1); c.1741C>T, p.Arg581Trp (NM_001410977.1); c.1603C>T, p.Arg535Trp (NM_001414029.1); and 6 more; short protein forms R537W, R444W, R541W, R428W, R89W, R531W, R581W, R497W.
Identifiers: ClinVar variation 258583 (VCV000258583.16), dbSNP rs61733050, ClinGen allele CA6615884.